The following is an entry in ClinVar:

ClinVar aggregate classification (germline): Uncertain significance. Review status: criteria provided, multiple submitters, no conflicts (2 of 4 stars). 3 submissions from 3 submitters: Uncertain significance (3). Last evaluated 2024-07-30.

Conditions:
Charcot-Marie-Tooth disease axonal type 2Z. Also called: CHARCOT-MARIE-TOOTH DISEASE, AXONAL, AUTOSOMAL DOMINANT, TYPE 2Z; CHARCOT-MARIE-TOOTH NEUROPATHY, TYPE 2Z. Identifiers: Orphanet 466768, MedGen C5569025, MONDO:0014736, OMIM 616688.
Inborn genetic diseases. Identifiers: MedGen C0950123, MeSH D030342.

Allele frequency attached by ClinVar (database versions not stated): gnomAD exomes 0.00001; TOPMed 0.00001; ExAC 0.00002.
gnomAD v4.1: 15 of 1,614,138 alleles (0.00093%); highest among the groups gnomAD compares: Non-Finnish European, 0.0013%; no homozygotes.

Submissions (3):

Labcorp Genetics (formerly Invitae), Labcorp
Classification: Uncertain significance for Charcot-Marie-Tooth disease axonal type 2Z. Last evaluated: 2024-07-30. Review status: criteria provided, single submitter. Criteria: Invitae Variant Classification Sherloc (09022015). Collection method: clinical testing. Allele origin: germline.
Comment: This sequence change replaces arginine, which is basic and polar, with cysteine, which is neutral and slightly polar, at codon 569 of the MORC2 protein (p.Arg569Cys). This variant is present in population databases (rs267606222, gnomAD 0.003%). This variant has not been reported in the literature in individuals affected with MORC2-related conditions. ClinVar contains an entry for this variant (Variation ID: 81950). Advanced modeling of protein sequence and biophysical properties (such as structural, functional, and spatial information, amino acid conservation, physicochemical variation, residue mobility, and thermodynamic stability) has been performed at Invitae for this missense variant, however the output from this modeling did not meet the statistical confidence thresholds required to predict the impact of this variant on MORC2 protein function. In summary, the available evidence is currently insufficient to determine the role of this variant in disease. Therefore, it has been classified as a Variant of Uncertain Significance.

Ambry Genetics
Classification: Uncertain significance for Inborn genetic diseases. Last evaluated: 2019-12-03. Review status: criteria provided, single submitter. Criteria: Ambry Variant Classification Scheme 2023. Collection method: clinical testing. Allele origin: germline.
Comment: The p.R569C variant (also known as c.1705C>T), located in coding exon 17 of the MORC2 gene, results from a C to T substitution at nucleotide position 1705. The arginine at codon 569 is replaced by cysteine, an amino acid with highly dissimilar properties. This amino acid position is well conserved in available vertebrate species. In addition, this alteration is predicted to be tolerated by in silico analysis. Since supporting evidence is limited at this time, the clinical significance of this alteration remains unclear.

GeneDx
Classification: Uncertain significance. Last evaluated: 2017-06-21. Review status: criteria provided, single submitter. Criteria: GeneDx Variant Classification (06012015). Collection method: clinical testing. Allele origin: germline. Affected: yes.
Comment: The R569C variant in the MORC2 gene has not been reported previously as a pathogenic variant, nor as a benign variant, to our knowledge. The R569C variant is not observed at a significant frequency in large population cohorts (Lek et al., 2016; 1000 Genomes Consortium et al., 2015; Exome Variant Server). The R569C variant is a non-conservative amino acid substitution, which occurs at a position where amino acids with similar properties to Arginine are tolerated across species. In silico analysis predicts this variant is probably damaging to the protein structure/function. We interpret R569C as a variant of uncertain significance,

NM_001303256.3(MORC2):c.1705C>T (p.Arg569Cys)

Gene: MORC2 (MORC family CW-type zinc finger 2; minus strand). Cytogenetic location: 22q12.2.
Variant type: single nucleotide variant.
Coding change: c.1705C>T on transcript NM_001303256.3 (MANE Select); coding-DNA position 1705, C replaced by T.
Protein change: p.Arg569Cys; replaces arginine 569 with cysteine.
Molecular consequence: missense variant.
Genome position (GRCh38, 1-based): chr22:30,936,543, G>A on the plus strand (C>T on the coding strand, the complement: MORC2 is on the minus strand). VCF-style: chr22-30936543-G-A. GRCh37 (hg19) VCF-style: chr22-31332530-G-A.
Other names: c.1705C>T, p.Arg569Cys (NM_001303257.2); c.1519C>T, p.Arg507Cys (NM_014941.3); short protein forms R507C, R569C.
Identifiers: ClinVar variation 81950 (VCV000081950.7), dbSNP rs267606222, ClinGen allele CA10186882.